The following is an entry in ClinVar:

NM_001037.5(SCN1B):c.39G>C (p.Leu13=)

Gene: SCN1B (sodium voltage-gated channel beta subunit 1; plus strand). Cytogenetic location: 19q13.11.
Variant type: single nucleotide variant.
Coding change: c.39G>C on transcript NM_001037.5 (MANE Select); coding-DNA position 39, G replaced by C.
Protein change: p.Leu13=; no amino-acid change (leucine 13 retained).
Molecular consequence: synonymous variant.
Genome position (GRCh38, 1-based): chr19:35,030,859, G>C. VCF-style: chr19-35030859-G-C. GRCh37 (hg19) VCF-style: chr19-35521763-G-C.
Other names: c.39G>C, p.Leu13= (NM_199037.5).
Identifiers: ClinVar variation 2740253 (VCV002740253.3), dbSNP rs1176063627, ClinGen allele CA507053335.

ClinVar aggregate classification (germline): Uncertain significance (1 of 4 stars; one submission).

Conditions:
Brugada syndrome 5 (BRGDA5). Identifiers: Orphanet 130, Orphanet 871, MedGen C2748541, MONDO:0013015, OMIM 612838.

Allele frequency attached by ClinVar (database versions not stated): gnomAD exomes below 0.00001; gnomAD 0.00001; TOPMed 0.00001.

Submission:

Labcorp Genetics (formerly Invitae), Labcorp
Classification: Uncertain significance for Brugada syndrome 5. Last evaluated: 2024-08-28. Review status: criteria provided, single submitter. Criteria: Invitae Variant Classification Sherloc (09022015). Collection method: clinical testing. Allele origin: germline.
Comment: This sequence change affects codon 13 of the SCN1B mRNA. It is a 'silent' change, meaning that it does not change the encoded amino acid sequence of the SCN1B protein. It affects a nucleotide within the consensus splice site. This variant is not present in population databases (gnomAD no frequency). This variant has not been reported in the literature in individuals affected with SCN1B-related conditions. Algorithms developed to predict the effect of sequence changes on RNA splicing suggest that this variant is not likely to affect RNA splicing. In summary, the available evidence is currently insufficient to determine the role of this variant in disease. Therefore, it has been classified as a Variant of Uncertain Significance.